The following is an entry in ClinVar:

ClinVar aggregate classification (germline): Conflicting classifications of pathogenicity. Review status: criteria provided, conflicting classifications (1 of 4 stars). 4 submissions from 4 submitters: Uncertain significance (3); Likely benign (1). Last evaluated 2025-06-07.

Allele frequency attached by ClinVar (database versions not stated): gnomAD 0.00010 and 0.00011; gnomAD exomes 0.00010; TOPMed 0.00010; ExAC 0.00028.
gnomAD v4.1: 161 of 1,551,224 alleles (0.01%); highest among the groups gnomAD compares: Middle Eastern, 0.067%; 1 homozygote.

Submissions (4):

Ambry Genetics
Classification: Uncertain significance. Last evaluated: 2025-06-07. Review status: criteria provided, single submitter. Criteria: Ambry Variant Classification Scheme 2023. Collection method: clinical testing. Allele origin: germline.

CeGaT Center for Human Genetics Tuebingen
Classification: Likely benign. Last evaluated: 2023-04-01. Review status: criteria provided, single submitter. Criteria: CeGaT Center For Human Genetics Tuebingen Variant Classification Criteria Version 2. Collection method: clinical testing. Allele origin: germline. Affected: yes. Observed: 1 variant allele.
Comment: DNAH14: BP4

New York Genome Center
Classification: Uncertain significance. Last evaluated: 2021-06-22. Review status: criteria provided, single submitter. Criteria: NYGC Assertion Criteria 2020. Collection method: clinical testing. Allele origin: inherited. Observed: 1 heterozygote. Study: CSER-NYCKidSeq.

Breakthrough Genomics
Classification: Uncertain significance. Review status: criteria provided, single submitter. Criteria: ACMG Guidelines, 2015. Collection method: not provided. Allele origin: germline. Inheritance: Unknown mechanism. Affected: yes.

NM_001367479.1(DNAH14):c.9698C>T (p.Ala3233Val)

Gene: DNAH14 (dynein axonemal heavy chain 14; plus strand). Cytogenetic location: 1q42.12.
Variant type: single nucleotide variant.
Coding change: c.9698C>T on transcript NM_001367479.1 (MANE Select); coding-DNA position 9698, C replaced by T.
Protein change: p.Ala3233Val; replaces alanine 3233 with valine.
Molecular consequence: missense variant.
Genome position (GRCh38, 1-based): chr1:225,324,807, C>T. VCF-style: chr1-225324807-C-T. GRCh37 (hg19) VCF-style: chr1-225512509-C-T.
Other names: NM_001373.1:c.9419C>T; short protein forms A3233V.
Identifiers: ClinVar variation 1342595 (VCV001342595.29), dbSNP rs745928222, ClinGen allele CA1416559.